The following is an entry in ClinVar:

NM_000256.3(MYBPC3):c.2773_2781del (p.Glu925_Thr927del)

Gene: MYBPC3 (myosin binding protein C3; minus strand). Cytogenetic location: 11p11.2.
Variant type: Deletion.
Coding change: c.2773_2781del on transcript NM_000256.3 (MANE Select); coding-DNA positions 2773 to 2781, 9 bases deleted (GAGCACACA; older notation c.2773_2781delGAGCACACA).
Protein change: p.Glu925_Thr927del.
Molecular consequence: inframe deletion.
Genome position (GRCh38, 1-based): chr11:47,335,166-47,335,174, TGTGTGCTC deleted on the plus strand (GAGCACACA on the coding strand, the reverse complement: MYBPC3 is on the minus strand); deleting any 9 consecutive bases within chr11:47,335,166-47,335,177 gives the same sequence; the c. name uses the placement nearest the transcript's 3' end. VCF-style (leftmost placement, unchanged base first): chr11-47335165-ATGTGTGCTC-A. GRCh37 (hg19) VCF-style: chr11-47356716-ATGTGTGCTC-A.
Other names: c.2773_2781delGAGCACACA (NM_000256.3).
Identifiers: ClinVar variation 2024894 (VCV002024894.5), dbSNP rs2495744594, ClinGen allele CA2580084269.

ClinVar aggregate classification (germline): Uncertain significance. Review status: criteria provided, multiple submitters, no conflicts (2 of 4 stars). 2 submissions from 2 submitters: Uncertain significance (2). Last evaluated 2024-07-26.

Conditions:
Cardiovascular phenotype. Identifiers: MedGen CN230736.
Hypertrophic cardiomyopathy. Also called: HYPERTROPHIC MYOCARDIOPATHY. Identifiers: Orphanet 217569, MedGen C0007194, MeSH D002312, MONDO:0005045, HP:0001639.

Submissions (2):

Ambry Genetics
Classification: Uncertain significance for Cardiovascular phenotype. Last evaluated: 2024-07-26. Review status: criteria provided, single submitter. Criteria: Ambry Variant Classification Scheme 2023. Collection method: clinical testing. Allele origin: germline.
Comment: The c.2773_2781delGAGCACACA variant (also known as p.E925_T927del) is located in coding exon 27 of the MYBPC3 gene. This variant results from an in-frame GAGCACACA deletion at nucleotide positions 2773 to 2781. This results in the in-frame deletion of three amino acids (EHT) at codons 925 to 927. This amino acid region is not well conserved in available vertebrate species. In addition, this alteration is predicted to be deleterious by in silico analysis (Choi Y et al. PLoS ONE. 2012; 7(10):e46688). Based on the available evidence, the clinical significance of this variant remains unclear.

Labcorp Genetics (formerly Invitae), Labcorp
Classification: Uncertain significance for Hypertrophic cardiomyopathy. Last evaluated: 2022-08-19. Review status: criteria provided, single submitter. Criteria: Invitae Variant Classification Sherloc (09022015). Collection method: clinical testing. Allele origin: germline.
Comment: In summary, the available evidence is currently insufficient to determine the role of this variant in disease. Therefore, it has been classified as a Variant of Uncertain Significance. Experimental studies and prediction algorithms are not available or were not evaluated, and the functional significance of this variant is currently unknown. This variant has not been reported in the literature in individuals affected with MYBPC3-related conditions. This variant is not present in population databases (gnomAD no frequency). This variant, c.2773_2781del, results in the deletion of 3 amino acid(s) of the MYBPC3 protein (p.Glu925_Thr927del), but otherwise preserves the integrity of the reading frame.